The following is an entry in ClinVar:

NM_000094.4(COL7A1):c.189del (p.Leu64fs)

Gene: COL7A1 (collagen type VII alpha 1 chain; minus strand). Cytogenetic location: 3p21.31.
Variant type: Deletion.
Coding change: c.189del on transcript NM_000094.4 (MANE Select); coding-DNA position 189, one base deleted (G; older notation c.189delG).
Protein change: p.Leu64fs; shifts the reading frame from leucine 64.
Molecular consequence: frameshift variant.
Genome position (GRCh38, 1-based): chr3:48,594,445, C deleted on the plus strand (G on the coding strand, the reverse complement: COL7A1 is on the minus strand); the first of 3 consecutive C bases (chr3:48,594,445-48,594,447); deleting any one gives the same sequence. VCF-style (leftmost placement, unchanged base first): chr3-48594444-GC-G. GRCh37 (hg19) VCF-style: chr3-48631877-GC-G.
Other names: c.189delG (NM_000094.4); short protein forms L64fs.
Identifiers: ClinVar variation 1363259 (VCV001363259.11), dbSNP rs1381975764, ClinGen allele CA543046098.

ClinVar aggregate classification (germline): Pathogenic. Review status: criteria provided, multiple submitters, no conflicts (2 of 4 stars). 4 submissions from 4 submitters: Pathogenic (4). Last evaluated 2025-06-09.

Conditions:
COL7A1-related disorder. Also called: COL7A1-related condition; COL7A1- related disorders.
Recessive dystrophic epidermolysis bullosa (RDEB). Also called: severe generalized recessive dystrophic epidermolysis bullosa; epidermolysis bullosa dystrophica, autosomal recessive; Hallopeau-Siemens Disease; EPIDERMOLYSIS BULLOSA DYSTROPHICA, GENERALIZED SEVERE, AUTOSOMAL RECESSIVE; Recessive DEB (RDEB); Epidermolysis Bullosa Distrophica Autosomal Recessive (RDEB). Identifiers: Orphanet 79408, Orphanet 79409, MedGen C0079474, MONDO:0009179, OMIM 226600.
Epidermolysis bullosa pruriginosa. Also called: DEB, PRURIGINOSA; DYSTROPHIC EPIDERMOLYSIS BULLOSA PRURIGINOSA. Identifiers: Orphanet 89843, MedGen C1275114, MONDO:0011398, OMIM 604129.
Pretibial dystrophic epidermolysis bullosa. Also called: Pretibial epidermolysis bullosa; EPIDERMOLYSIS BULLOSA DYSTROPHICA, PRETIBIAL; Pretibial blistering. Identifiers: Orphanet 79410, MedGen C0432321, MONDO:0007552, OMIM 131850, HP:0012221.
Transient bullous dermolysis of the newborn (TBDN). Also called: DYSTROPHIC EPIDERMOLYSIS BULLOSA, NEONATAL; EPIDERMOLYSIS BULLOSA DYSTROPHICA, NEONATAL FORM. Identifiers: Orphanet 79411, MedGen C1851573, MONDO:0007548, OMIM 131705.

Submissions (4):

Labcorp Genetics (formerly Invitae), Labcorp
Classification: Pathogenic. Last evaluated: 2025-06-09. Review status: criteria provided, single submitter. Criteria: Invitae Variant Classification Sherloc (09022015). Collection method: clinical testing. Allele origin: germline.
Comment: This sequence change creates a premature translational stop signal (p.Leu64Trpfs*40) in the COL7A1 gene. It is expected to result in an absent or disrupted protein product. Loss-of-function variants in COL7A1 are known to be pathogenic (PMID: 16971478). This variant is present in population databases (no rsID available, gnomAD 0.0009%). This premature translational stop signal has been observed in individual(s) with COL7A1-related conditions (PMID: 9284110, 31001817). ClinVar contains an entry for this variant (Variation ID: 1363259). For these reasons, this variant has been classified as Pathogenic.

First Genomix Gene Laboratory, Genetic Diagnostics Department
Classification: Pathogenic for Recessive dystrophic epidermolysis bullosa; Epidermolysis bullosa pruriginosa; Pretibial dystrophic epidermolysis bullosa; Transient bullous dermolysis of the newborn. Last evaluated: 2025-05-30. Review status: criteria provided, single submitter. Criteria: ACMG Guidelines, 2015. Collection method: clinical testing. Allele origin: germline. Inheritance: Autosomal recessive inheritance. Affected: no. Observed: 1 variant allele.

Myriad Genetics, Inc.
Classification: Pathogenic for Recessive dystrophic epidermolysis bullosa. Last evaluated: 2025-05-24. Review status: criteria provided, single submitter. Criteria: Myriad Autosomal Dominant, Autosomal Recessive and X-Linked Classification Criteria (2023). Collection method: clinical testing. Allele origin: unknown.
Comment: NM_000094.3(COL7A1):c.189delG(L64Wfs*40) is expected to be pathogenic in the context of dystrophic epidermolysis bullosa. This variant is predicted to lead to an abnormal or absent protein product due to the creation of a premature termination codon in COL7A1, a gene where loss-of-function variants are known to be pathogenic. Please note: this variant was assessed in the context of healthy population screening.

Blueprint Genetics
Classification: Pathogenic for COL7A1-related disorders. Last evaluated: 2017-11-02. Review status: criteria provided, single submitter. Criteria: ACMG Guidelines, 2015. Collection method: clinical testing. Allele origin: germline. Affected: yes. Observed: 1 variant allele.

Literature cited by the submitters: PubMed 16971478 (cited by Labcorp Genetics (formerly Invitae), Labcorp); PubMed 9284110 (cited by Labcorp Genetics (formerly Invitae), Labcorp); PubMed 31001817 (cited by Labcorp Genetics (formerly Invitae), Labcorp).